The following is an entry in ClinVar:

ClinVar aggregate classification (germline): Uncertain significance (1 of 4 stars; one submission).

Conditions:
Developmental and epileptic encephalopathy, 23 (DEE23). Also called: Epileptic encephalopathy, early infantile, 23. Identifiers: Orphanet 411986, MedGen C4014492, MONDO:0014371, OMIM 615859.

Submission:

Labcorp Genetics (formerly Invitae), Labcorp
Classification: Uncertain significance for Developmental and epileptic encephalopathy, 23. Last evaluated: 2022-04-01. Review status: criteria provided, single submitter. Criteria: Invitae Variant Classification Sherloc (09022015). Collection method: clinical testing. Allele origin: germline.
Comment: This sequence change replaces aspartic acid, which is acidic and polar, with glycine, which is neutral and non-polar, at codon 339 of the DOCK7 protein (p.Asp339Gly). In summary, the available evidence is currently insufficient to determine the role of this variant in disease. Therefore, it has been classified as a Variant of Uncertain Significance. Algorithms developed to predict the effect of missense changes on protein structure and function are either unavailable or do not agree on the potential impact of this missense change (SIFT: "Deleterious"; PolyPhen-2: "Probably Damaging"; Align-GVGD: "Class C0"). This variant has not been reported in the literature in individuals affected with DOCK7-related conditions. This variant is not present in population databases (gnomAD no frequency).

NM_001367561.1(DOCK7):c.1016A>G (p.Asp339Gly)

Gene: DOCK7 (dedicator of cytokinesis 7; minus strand). Cytogenetic location: 1p31.3.
Variant type: single nucleotide variant.
Coding change: c.1016A>G on transcript NM_001367561.1 (MANE Select); coding-DNA position 1016, A replaced by G.
Protein change: p.Asp339Gly; replaces aspartic acid 339 with glycine.
Molecular consequence: missense variant.
Genome position (GRCh38, 1-based): chr1:62,634,792, T>C on the plus strand (A>G on the coding strand, the complement: DOCK7 is on the minus strand). VCF-style: chr1-62634792-T-C. GRCh37 (hg19) VCF-style: chr1-63100463-T-C.
Other names: c.1016A>G, p.Asp339Gly (NM_001271999.2, NM_001272000.2, NM_001272001.2 and 3 more transcripts); short protein forms D339G.
Identifiers: ClinVar variation 2120464 (VCV002120464.4), dbSNP rs2523093267, ClinGen allele CA340621889.